The following is an entry in ClinVar:

NM_001039348.3(EFEMP1):c.1339G>T (p.Ala447Ser)

Gene: EFEMP1 (EGF-like fibulin extracellular matrix protein 1; minus strand). Cytogenetic location: 2p16.1.
Variant type: single nucleotide variant.
Coding change: c.1339G>T on transcript NM_001039348.3 (MANE Select); coding-DNA position 1339, G replaced by T.
Protein change: p.Ala447Ser; replaces alanine 447 with serine.
Molecular consequence: missense variant.
Genome position (GRCh38, 1-based): chr2:55,867,216, C>A on the plus strand (G>T on the coding strand, the complement: EFEMP1 is on the minus strand). VCF-style: chr2-55867216-C-A. GRCh37 (hg19) VCF-style: chr2-56094351-C-A.
Other names: c.1339G>T, p.Ala447Ser (NM_001039349.3); short protein forms A447S.
Identifiers: ClinVar variation 2441181 (VCV002441181.5), dbSNP rs746366927, ClinGen allele CA1668694.

ClinVar aggregate classification (germline): Uncertain significance. Review status: criteria provided, multiple submitters, no conflicts (2 of 4 stars). 2 submissions from 2 submitters: Uncertain significance (2). Last evaluated 2025-11-15.

Conditions:
Doyne honeycomb retinal dystrophy (DHRD). Also called: DOYNE HONEYCOMB DEGENERATION OF RETINA; MALATTIA LEVENTINESE; DRUSEN, RADIAL, AUTOSOMAL DOMINANT. Identifiers: Orphanet 75376, MedGen C1832174, MONDO:0007471, OMIM 126600.

Allele frequency attached by ClinVar (database versions not stated): ExAC 0.00001; gnomAD exomes 0.00001.
gnomAD v4.1: 5 of 1,613,744 alleles (0.00031%); highest among the groups gnomAD compares: Middle Eastern, 0.066%; no homozygotes.

Submissions (2):

Labcorp Genetics (formerly Invitae), Labcorp
Classification: Uncertain significance. Last evaluated: 2025-11-15. Review status: criteria provided, single submitter. Criteria: Invitae Variant Classification Sherloc (09022015). Collection method: clinical testing. Allele origin: germline.
Comment: This sequence change replaces alanine, which is neutral and non-polar, with serine, which is neutral and polar, at codon 447 of the EFEMP1 protein (p.Ala447Ser). This variant is present in population databases (rs746366927, gnomAD 0.003%). This variant has not been reported in the literature in individuals affected with EFEMP1-related conditions. ClinVar contains an entry for this variant (Variation ID: 2441181). Invitae Evidence Modeling of protein sequence and biophysical properties (such as structural, functional, and spatial information, amino acid conservation, physicochemical variation, residue mobility, and thermodynamic stability) has been performed for this missense variant. However, the output from this modeling did not meet the statistical confidence thresholds required to predict the impact of this variant on EFEMP1 protein function. In summary, the available evidence is currently insufficient to determine the role of this variant in disease. Therefore, it has been classified as a Variant of Uncertain Significance.

Revvity Omics, Revvity
Classification: Uncertain significance for Doyne honeycomb retinal dystrophy. Last evaluated: 2020-02-03. Review status: criteria provided, single submitter. Criteria: ACMG Guidelines, 2015. Collection method: clinical testing. Allele origin: germline.